The following is an entry in ClinVar:

ClinVar aggregate classification (germline): Conflicting classifications of pathogenicity. Review status: criteria provided, conflicting classifications (1 of 4 stars). 4 submissions from 4 submitters: Likely pathogenic (2); Uncertain significance (2). Last evaluated 2026-04-14.

Conditions:
Cholestasis, intrahepatic, of pregnancy, 3. Identifiers: Orphanet 69665, MedGen C3554241, MONDO:0013995, OMIM 614972.
Progressive familial intrahepatic cholestasis type 3. Also called: MDR3 DEFICIENCY; Low Gamma-GT Familial Intrahepatic Cholestasis. Identifiers: Orphanet 79305, MedGen C1865643, MONDO:0011214, OMIM 602347.
Low phospholipid associated cholelithiasis (GBD1). Also called: Gallstone cholecystitis; Gallbladder disease 1. Identifiers: Orphanet 69663, MedGen C2609268, MONDO:0010939, OMIM 600803.

Allele frequency attached by ClinVar (database versions not stated): gnomAD 0.00001; gnomAD exomes 0.00001; ExAC 0.00002; TOPMed 0.00003.
gnomAD v4.1: 20 of 1,613,368 alleles (0.0012%); highest among the groups gnomAD compares: South Asian, 0.0066%; no homozygotes.

Submissions (4):

Genomenon, Inc
Classification: Likely pathogenic for Low phospholipid associated cholelithiasis. Last evaluated: 2026-04-14. Review status: criteria provided, single submitter. Criteria: Genomenon Sequence Variant Interpretation Standards - Updated. Collection method: curation. Allele origin: germline. Affected: yes.
Comment: ABCB4 p.Arg406Gln (c.1217G>A) is a missense variant that changes the amino acid at residue 406 from Arginine to Glutamine. This variant has been observed in at least one proband with an ABCB4-related disorder (PMID:20537830). The variant was found to segregate with disease in at least one affected family (PMID:20537830). It has been observed in trans with a pathogenic or likely pathogenic variant (PMID:20537830). It is absent or not present at a significant frequency in gnomAD. In silico models predict that this variant is possibly or probably damaging. In conclusion, we classify ABCB4 p.Arg406Gln (c.1217G>A) as a likely pathogenic variant.

Women's Health and Genetics/Laboratory Corporation of America, LabCorp
Classification: Uncertain significance. Last evaluated: 2024-04-03. Review status: criteria provided, single submitter. Criteria: LabCorp Variant Classification Summary - May 2015. Collection method: clinical testing. Allele origin: germline.
Comment: Variant summary: ABCB4 c.1217G>A (p.Arg406Gln) results in a conservative amino acid change located in the ABC transporter-like, ATP-binding domain (IPR003439) of the encoded protein sequence. Four of five in-silico tools predict a damaging effect of the variant on protein function. The variant allele was found at a frequency of 8e-06 in 251204 control chromosomes (gnomAD). c.1217G>A has been reported in the literature as a biallelic compound heterozygous genotype in at-least two individuals from a single family affected with features of Familial Intrahepatic Cholestasis with subsequent citations by others (example, Poupon_2010, cited by Wendum_2012, Khabou_2017, Khabou_2019, Wang_2022). These data indicate that the variant may be associated with disease. The following publications have been ascertained in the context of this evaluation (PMID: 36277956, 31181191, 28587926, 20537830, 35741809, 22331132). ClinVar contains an entry for this variant (Variation ID: 1396149). Based on the evidence outlined above, the variant was classified as VUS-possibly pathogenic.

Labcorp Genetics (formerly Invitae), Labcorp
Classification: Uncertain significance. Last evaluated: 2022-06-27. Review status: criteria provided, single submitter. Criteria: Invitae Variant Classification Sherloc (09022015). Collection method: clinical testing. Allele origin: germline.
Comment: This sequence change replaces arginine, which is basic and polar, with glutamine, which is neutral and polar, at codon 406 of the ABCB4 protein (p.Arg406Gln). This variant is present in population databases (rs763807769, gnomAD 0.002%). This missense change has been observed in individual(s) with low-phospholipid-associated cholelithiasis syndrome (PMID: 20537830, 22331132, 23533021). It has also been observed to segregate with disease in related individuals. Algorithms developed to predict the effect of missense changes on protein structure and function (SIFT, PolyPhen-2, Align-GVGD) all suggest that this variant is likely to be disruptive. In summary, the available evidence is currently insufficient to determine the role of this variant in disease. Therefore, it has been classified as a Variant of Uncertain Significance.

Juno Genomics, Hangzhou Juno Genomics, Inc
Classification: Likely pathogenic for Cholestasis, intrahepatic, of pregnancy, 3; Progressive familial intrahepatic cholestasis type 3; Low phospholipid associated cholelithiasis. Review status: criteria provided, single submitter. Criteria: ACMG Guidelines, 2015. Collection method: clinical testing. Allele origin: germline.
Comment: Absent from controls (or at extremely low frequency if recessive) in Genome Aggregation Database.;Multiple lines of computational evidence support a deleterious effect on the gene or gene product.;Missense variant in a gene that has a low rate of benign missense variation.;For recessive disorders, detected in trans with a pathogenic variant.;Co-segregation with disease in multiple affected family members.

Literature cited by the submitters: PubMed 20537830 (cited by 3 submitters); PubMed 22331132 (cited by Women's Health and Genetics/Laboratory Corporation of America, LabCorp and Labcorp Genetics (formerly Invitae), Labcorp); PubMed 28587926 (cited by Women's Health and Genetics/Laboratory Corporation of America, LabCorp); PubMed 31181191 (cited by Women's Health and Genetics/Laboratory Corporation of America, LabCorp); PubMed 35741809 (cited by Women's Health and Genetics/Laboratory Corporation of America, LabCorp); PubMed 36277956 (cited by Women's Health and Genetics/Laboratory Corporation of America, LabCorp); PubMed 23533021 (cited by Labcorp Genetics (formerly Invitae), Labcorp).

NM_000443.4(ABCB4):c.1217G>A (p.Arg406Gln)

Gene: ABCB4 (ATP binding cassette subfamily B member 4; minus strand). Cytogenetic location: 7q21.12.
Variant type: single nucleotide variant.
Coding change: c.1217G>A on transcript NM_000443.4 (MANE Select); coding-DNA position 1217, G replaced by A.
Protein change: p.Arg406Gln; replaces arginine 406 with glutamine.
Molecular consequence: missense variant.
Genome position (GRCh38, 1-based): chr7:87,443,676, C>T on the plus strand (G>A on the coding strand, the complement: ABCB4 is on the minus strand). VCF-style: chr7-87443676-C-T. GRCh37 (hg19) VCF-style: chr7-87072992-C-T.
Other names: c.1217G>A, p.Arg406Gln (NM_018849.3, NM_018850.3); short protein forms R406Q.
Identifiers: ClinVar variation 1396149 (VCV001396149.8), dbSNP rs763807769, ClinGen allele CA4327360.